The following is an entry in ClinVar:

NM_001193329.3(AOPEP):c.393C>T (p.Cys131=)

Gene: AOPEP (aminopeptidase O (putative); plus strand). Cytogenetic location: 9q22.32.
Variant type: single nucleotide variant.
Coding change: c.393C>T on transcript NM_001193329.3 (MANE Select); coding-DNA position 393, C replaced by T.
Protein change: p.Cys131=; no amino-acid change (cysteine 131 retained).
Molecular consequence: synonymous variant. On other transcripts: non-coding transcript variant (5), intron variant (2).
Genome position (GRCh38, 1-based): chr9:94,760,176, C>T. VCF-style: chr9-94760176-C-T. GRCh37 (hg19) VCF-style: chr9-97522458-C-T.
Other names: c.393C>T, p.Cys131= (NM_001193331.3, NM_001386062.2, NM_001386063.2 and 11 more transcripts); c.-29-32589C>T (NM_001386061.1); c.-73-12826C>T (NM_001386073.1).
Identifiers: ClinVar variation 3388353 (VCV003388353.14).

ClinVar aggregate classification (germline): Likely benign (1 of 4 stars; one submission).

gnomAD v4.1: 69 of 1,614,076 alleles (0.0043%); highest among the groups gnomAD compares: East Asian, 0.051%; no homozygotes.

Submission:

CeGaT Center for Human Genetics Tuebingen
Classification: Likely benign. Last evaluated: 2024-09-01. Review status: criteria provided, single submitter. Criteria: CeGaT Center For Human Genetics Tuebingen Variant Classification Criteria Version 2. Collection method: clinical testing. Allele origin: germline. Affected: yes. Observed: 1 variant allele.
Comment: AOPEP: BP4, BP7